The following is an entry in ClinVar:

NM_080680.3(COL11A2):c.2136A>T (p.Gly712=)

Gene: COL11A2 (collagen type XI alpha 2 chain; minus strand). Cytogenetic location: 6p21.32.
Variant type: single nucleotide variant.
Coding change: c.2136A>T on transcript NM_080680.3 (MANE Select); coding-DNA position 2136, A replaced by T.
Protein change: p.Gly712=; no amino-acid change (glycine 712 retained).
Molecular consequence: synonymous variant.
Genome position (GRCh38, 1-based): chr6:33,176,466, T>A on the plus strand (A>T on the coding strand, the complement: COL11A2 is on the minus strand). VCF-style: chr6-33176466-T-A. GRCh37 (hg19) VCF-style: chr6-33144243-T-A.
Other names: p.Gly712=; c.1815A>T, p.Gly605= (NM_080679.3); c.1878A>T, p.Gly626= (NM_080681.3).
Identifiers: ClinVar variation 46558 (VCV000046558.30), dbSNP rs1799908, ClinGen allele CA138618.

ClinVar aggregate classification (germline): Benign. Review status: criteria provided, multiple submitters, no conflicts (2 of 4 stars). 18 submissions from 13 submitters: Benign (14). 4 of the submissions do not count toward it. Last evaluated 2026-05-08.

Conditions:
Fibrochondrogenesis 2 (FBCG2). Identifiers: Orphanet 2021, MedGen C3281128, MONDO:0013795, OMIM 614524.
Autosomal recessive nonsyndromic hearing loss 53. Identifiers: Orphanet 90636, MedGen C1864746, MONDO:0012333, OMIM 609706.
Autosomal dominant nonsyndromic hearing loss 13. Identifiers: Orphanet 90635, MedGen C1866095, MONDO:0011159, OMIM 601868.
Otospondylomegaepiphyseal dysplasia, autosomal recessive (OSMEDB). Also called: CHONDRODYSTROPHY WITH SENSORINEURAL DEAFNESS; Insley-Astley syndrome. Identifiers: Orphanet 1427, MedGen CN034493, MONDO:0044206, OMIM 215150.
Otospondylomegaepiphyseal dysplasia, autosomal dominant (OSMEDA). Also called: COL11A2-Related Stickler Syndrome; Stickler syndrome, type 3; Pierre Robin syndrome with fetal chondrodysplasia. Identifiers: Orphanet 166100, Orphanet 3450, MedGen C1848488, MONDO:0008490, OMIM 184840.

Allele frequency attached by ClinVar (database versions not stated): gnomAD exomes 0.42794 and 0.48511; ESP Exome Variant Server 0.43837; gnomAD 0.46292 and 0.46965; TOPMed 0.47641; ExAC 0.47882; 1000 Genomes Project 30x 0.54575; 1000 Genomes Project 0.54712.
gnomAD v4.1: 696,373 of 1,610,068 alleles (43%); highest among the groups gnomAD compares: East Asian, 75%; 155,885 homozygotes.

Submissions (18):

Women's Health and Genetics/Laboratory Corporation of America, LabCorp
Classification: Benign. Last evaluated: 2026-05-08. Review status: criteria provided, single submitter. Criteria: LabCorp Variant Classification Summary - May 2015. Collection method: clinical testing. Allele origin: germline.

Labcorp Genetics (formerly Invitae), Labcorp
Classification: Benign. Last evaluated: 2026-02-04. Review status: criteria provided, single submitter. Criteria: Invitae Variant Classification Sherloc (09022015). Collection method: clinical testing. Allele origin: germline.

Blueprint Genetics
Classification: Benign. Last evaluated: 2024-11-27. Review status: criteria provided, single submitter. Criteria: ACMG Guidelines, 2015. Collection method: clinical testing. Allele origin: germline.

Genome-Nilou Lab
Classification: Benign for Autosomal dominant nonsyndromic hearing loss 13. Last evaluated: 2021-07-22. Review status: criteria provided, single submitter. Criteria: ACMG Guidelines, 2015. Collection method: clinical testing. Allele origin: germline. Affected: no.

Genome-Nilou Lab
Classification: Benign for Autosomal recessive nonsyndromic hearing loss 53. Last evaluated: 2021-07-22. Review status: criteria provided, single submitter. Criteria: ACMG Guidelines, 2015. Collection method: clinical testing. Allele origin: germline. Affected: no.

Genome-Nilou Lab
Classification: Benign for Fibrochondrogenesis 2. Last evaluated: 2021-07-22. Review status: criteria provided, single submitter. Criteria: ACMG Guidelines, 2015. Collection method: clinical testing. Allele origin: germline. Affected: no.

Genome-Nilou Lab
Classification: Benign for Otospondylomegaepiphyseal dysplasia, autosomal dominant. Last evaluated: 2021-07-22. Review status: criteria provided, single submitter. Criteria: ACMG Guidelines, 2015. Collection method: clinical testing. Allele origin: germline. Affected: no.

Genome-Nilou Lab
Classification: Benign for Otospondylomegaepiphyseal dysplasia, autosomal recessive. Last evaluated: 2021-07-22. Review status: criteria provided, single submitter. Criteria: ACMG Guidelines, 2015. Collection method: clinical testing. Allele origin: germline. Affected: no.

Mayo Clinic Laboratories, Mayo Clinic
Classification: Benign. Last evaluated: 2020-01-27. Review status: criteria provided, single submitter. Criteria: ACMG Guidelines, 2015. Collection method: clinical testing. Allele origin: germline. Observed: 124 variant alleles.

Illumina Laboratory Services, Illumina
Classification: Benign for Fibrochondrogenesis 2. Last evaluated: 2018-01-12. Review status: criteria provided, single submitter. Criteria: ICSL Variant Classification Criteria 13 December 2019. Collection method: clinical testing. Allele origin: germline.
Comment: This variant was observed in the ICSL laboratory as part of a predisposition screen in an ostensibly healthy population. It had not been previously curated by ICSL or reported in the Human Gene Mutation Database (HGMD: prior to June 1st, 2018), and was therefore a candidate for classification through an automated scoring system. Utilizing variant allele frequency, disease prevalence and penetrance estimates, and inheritance mode, an automated score was calculated to assess if this variant is too frequent to cause the disease. Based on the score and internal cut-off values, a variant classified as benign is not then subjected to further curation. The score for this variant resulted in a classification of benign for this disease.

Illumina Laboratory Services, Illumina
Classification: Benign for Otospondylomegaepiphyseal dysplasia, autosomal recessive. Last evaluated: 2018-01-12. Review status: criteria provided, single submitter. Criteria: ICSL Variant Classification Criteria 13 December 2019. Collection method: clinical testing. Allele origin: germline.
Comment: the same text as in the submission from Illumina Laboratory Services, Illumina above.

GeneDx
Classification: Benign. Last evaluated: 2016-09-29. Review status: criteria provided, single submitter. Criteria: GeneDx Variant Classification (06012015). Collection method: clinical testing. Allele origin: germline. Affected: yes.
Comment: This variant is considered likely benign or benign based on one or more of the following criteria: it is a conservative change, it occurs at a poorly conserved position in the protein, it is predicted to be benign by multiple in silico algorithms, and/or has population frequency not consistent with disease.

Laboratory for Molecular Medicine, Mass General Brigham Personalized Medicine
Classification: Benign. Last evaluated: 2012-05-07. Review status: criteria provided, single submitter. Criteria: LMM Criteria. Collection method: clinical testing. Allele origin: germline. Observed: 1,153 variant alleles.
Comment: "Gly712Gly in Exon 27 of COL11A2: This variant is not expected to have clinical significance because it does not alter an amino acid residue, is not located wit hin the splice consensus sequence, and has been identified in 49.7% (1508/3036) of African American chromosomes from a broad population by the NHLBI Exome Seque ncing Project (dbSNP rs1799908)."

PreventionGenetics, part of Exact Sciences
Classification: Benign. Review status: criteria provided, single submitter. Criteria: ACMG Guidelines, 2015. Collection method: clinical testing. Allele origin: germline.

Clinical Genetics DNA and cytogenetics Diagnostics Lab, Erasmus MC, Erasmus Medical Center
Classification: Benign. Review status: no assertion criteria provided. Collection method: clinical testing. Allele origin: germline. Affected: yes. Study: VKGL Data-share Consensus. Not counted in ClinVar's aggregate classification.

Diagnostic Laboratory, Department of Genetics, University Medical Center Groningen
Classification: Benign. Review status: no assertion criteria provided. Collection method: clinical testing. Allele origin: germline. Affected: yes. Study: VKGL Data-share Consensus. Not counted in ClinVar's aggregate classification.

Genome Diagnostics Laboratory, Amsterdam University Medical Center
Classification: Benign. Review status: no assertion criteria provided. Collection method: clinical testing. Allele origin: germline. Affected: yes. Study: VKGL Data-share Consensus. Not counted in ClinVar's aggregate classification.

Joint Genome Diagnostic Labs from Nijmegen and Maastricht, Radboudumc and MUMC+
Classification: Benign. Review status: no assertion criteria provided. Collection method: clinical testing. Allele origin: germline. Affected: yes. Study: VKGL Data-share Consensus. Not counted in ClinVar's aggregate classification.